The following is an entry in ClinVar:

NM_000384.3(APOB):c.1829A>G (p.Asp610Gly)

Gene: APOB (apolipoprotein B; minus strand). Cytogenetic location: 2p24.1.
Variant type: single nucleotide variant.
Coding change: c.1829A>G on transcript NM_000384.3 (MANE Select); coding-DNA position 1829, A replaced by G.
Protein change: p.Asp610Gly; replaces aspartic acid 610 with glycine.
Molecular consequence: missense variant.
Genome position (GRCh38, 1-based): chr2:21,028,327, T>C on the plus strand (A>G on the coding strand, the complement: APOB is on the minus strand). VCF-style: chr2-21028327-T-C. GRCh37 (hg19) VCF-style: chr2-21251199-T-C.
Other names: short protein forms D610G.
Identifiers: ClinVar variation 265883 (VCV000265883.9), dbSNP rs199646491, ClinGen allele CA10588886.
Genomic context (GRCh38, chr2:21,028,327, plus strand): 5'-AGGGTTGGAATTCCAGCTCAGGGCCCTCAGTGGTATATGGGGTGAATAGCTCTTACTTAC[T>C]CTTGGATATCCAATTCTTCTGAGTTCAAGATATTGGCAATATGGGAAGCCACAAAGTTCT-3'
Protein context (NP_000375.3, residues 600-620): ILNSEELDIQ[Asp610Gly]LKKLVKEALK

ClinVar aggregate classification (germline): Uncertain significance. Review status: criteria provided, multiple submitters, no conflicts (2 of 4 stars). 2 submissions from 2 submitters: Uncertain significance (2). Last evaluated 2023-11-07.

Conditions:
Familial hypobetalipoproteinemia 1. Also called: Hypobetalipoproteinemia, normotriglyceridemic; Acanthocytosis with hypobetalipoproteinemia; APOB-Related Familial Hypobetalipoproteinemia. Identifiers: MedGen C4551990, MONDO:0014252, OMIM 615558.
Hypercholesterolemia, autosomal dominant, type B (FHCL2). Also called: Familial Hypercholesterolemia Type B; APOB-Related Familial Hypercholesterolemia, Autosomal Dominant; Hyperlipoproteinemia Type IIb; Familial hypercholesterolemia 2; APOLIPOPROTEIN B-100, FAMILIAL DEFECTIVE; APOLIPOPROTEIN B-100, FAMILIAL LIGAND-DEFECTIVE. Identifiers: MedGen C1704417, MONDO:0007751, OMIM 144010.
Hypercholesterolemia, familial, 1. Also called: LDL RECEPTOR DISORDER; Hyperlipoproteinemia Type IIa; HYPER-LOW-DENSITY-LIPOPROTEINEMIA; HYPERCHOLESTEROLEMIC XANTHOMATOSIS, FAMILIAL; Fredrickson type IIa hyperlipoproteinemia; Hyperlipoproteinemia type 2. Identifiers: Orphanet 391665, MedGen C0745103, MONDO:0007750, OMIM 143890.

Allele frequency attached by ClinVar (database versions not stated): gnomAD exomes 0.00001 and 0.00002; gnomAD 0.00003; TOPMed 0.00004.

Submissions (2):

Labcorp Genetics (formerly Invitae), Labcorp
Classification: Uncertain significance for Familial hypobetalipoproteinemia 1; Hypercholesterolemia, autosomal dominant, type B. Last evaluated: 2023-11-07. Review status: criteria provided, single submitter. Criteria: Invitae Variant Classification Sherloc (09022015). Collection method: clinical testing. Allele origin: germline.
Comment: This sequence change replaces aspartic acid, which is acidic and polar, with glycine, which is neutral and non-polar, at codon 610 of the APOB protein (p.Asp610Gly). This variant is present in population databases (rs199646491, gnomAD 0.003%). This missense change has been observed in individuals with clinical features of familial hypercholesterolemia (Invitae). ClinVar contains an entry for this variant (Variation ID: 265883). Algorithms developed to predict the effect of missense changes on protein structure and function output the following: SIFT: "Not Available"; PolyPhen-2: "Benign"; Align-GVGD: "Not Available". The glycine amino acid residue is found in multiple mammalian species, which suggests that this missense change does not adversely affect protein function. In summary, the available evidence is currently insufficient to determine the role of this variant in disease. Therefore, it has been classified as a Variant of Uncertain Significance.

Cardiovascular Research Group, Instituto Nacional de Saude Doutor Ricardo Jorge
Classification: Uncertain significance for Familial hypercholesterolemia. Last evaluated: 2016-03-01. Review status: criteria provided, single submitter. Criteria: ACMG Guidelines, 2015. Collection method: research. Allele origin: germline. Affected: yes.